The following is an entry in ClinVar:

NM_005045.4(RELN):c.7714G>A (p.Ala2572Thr)

Gene: RELN (reelin; minus strand). Cytogenetic location: 7q22.1.
Variant type: single nucleotide variant.
Coding change: c.7714G>A on transcript NM_005045.4 (MANE Select); coding-DNA position 7714, G replaced by A.
Protein change: p.Ala2572Thr; replaces alanine 2572 with threonine.
Molecular consequence: missense variant.
Genome position (GRCh38, 1-based): chr7:103,519,471, C>T on the plus strand (G>A on the coding strand, the complement: RELN is on the minus strand). VCF-style: chr7-103519471-C-T. GRCh37 (hg19) VCF-style: chr7-103159918-C-T.
Other names: c.7714G>A, p.Ala2572Thr (NM_173054.3); short protein forms A2572T.
Identifiers: ClinVar variation 4537705 (VCV004537705.1).

ClinVar aggregate classification (germline): Uncertain significance (1 of 4 stars; one submission).

Submission:

GeneDx
Classification: Uncertain significance. Last evaluated: 2025-06-15. Review status: criteria provided, single submitter. Criteria: GeneDx Variant Classification Process June 2021. Collection method: clinical testing. Allele origin: germline. Affected: yes.
Comment: Not observed at significant frequency in large population cohorts (gnomAD); In silico analysis suggests that this missense variant does not alter protein structure/function; Has not been previously published as pathogenic or benign to our knowledge